The following is an entry in ClinVar:

ClinVar aggregate classification (germline): Uncertain significance (1 of 4 stars; one submission).

Allele frequency attached by ClinVar (database versions not stated): gnomAD exomes 0.00001; TOPMed 0.00001; ExAC 0.00002; gnomAD 0.00002.
gnomAD v4.1: 17 of 1,613,868 alleles (0.0011%); highest among the groups gnomAD compares: Admixed American, 0.0017%; no homozygotes.

Submission:

Labcorp Genetics (formerly Invitae), Labcorp
Classification: Uncertain significance. Last evaluated: 2023-09-22. Review status: criteria provided, single submitter. Criteria: Invitae Variant Classification Sherloc (09022015). Collection method: clinical testing. Allele origin: germline.
Comment: In summary, the available evidence is currently insufficient to determine the role of this variant in disease. Therefore, it has been classified as a Variant of Uncertain Significance. Advanced modeling of protein sequence and biophysical properties (such as structural, functional, and spatial information, amino acid conservation, physicochemical variation, residue mobility, and thermodynamic stability) performed at Invitae indicates that this missense variant is not expected to disrupt SBF1 protein function. This variant has not been reported in the literature in individuals affected with SBF1-related conditions. This variant is present in population databases (rs779547898, gnomAD 0.002%). This sequence change replaces threonine, which is neutral and polar, with alanine, which is neutral and non-polar, at codon 1827 of the SBF1 protein (p.Thr1827Ala).

NM_002972.4(SBF1):c.5479A>G (p.Thr1827Ala)

Gene: SBF1 (SET binding factor 1; minus strand). Cytogenetic location: 22q13.33.
Variant type: single nucleotide variant.
Coding change: c.5479A>G on transcript NM_002972.4 (MANE Select); coding-DNA position 5479, A replaced by G.
Protein change: p.Thr1827Ala; replaces threonine 1827 with alanine.
Molecular consequence: missense variant.
Genome position (GRCh38, 1-based): chr22:50,447,426, T>C on the plus strand (A>G on the coding strand, the complement: SBF1 is on the minus strand). VCF-style: chr22-50447426-T-C. GRCh37 (hg19) VCF-style: chr22-50885855-T-C.
Other names: c.5404A>G, p.Thr1802Ala (NM_001365819.1); c.5482A>G, p.Thr1828Ala (NM_001410794.1); c.5401A>G, p.Thr1801Ala (NM_001410795.1); c.5479A>G, p.Thr1827Ala (NM_197971.1); short protein forms T1801A, T1827A, T1828A, T1802A.
Identifiers: ClinVar variation 2879747 (VCV002879747.3), dbSNP rs779547898, ClinGen allele CA10315817.